The following is an entry in ClinVar:

ClinVar aggregate classification (germline): Uncertain significance. Review status: criteria provided, multiple submitters, no conflicts (2 of 4 stars). 2 submissions from 2 submitters: Uncertain significance (2). Last evaluated 2024-05-22.

Conditions:
Hereditary cancer-predisposing syndrome. Also called: Neoplastic Syndromes, Hereditary; Hereditary neoplastic syndrome; Hereditary Cancer Syndrome; Tumor predisposition. Identifiers: Orphanet 140162, MedGen C0027672, MeSH D009386, MONDO:0015356.
Gorlin syndrome. Also called: Nevoid Basal Cell Carcinoma Syndrome; Basal cell nevus syndrome. Identifiers: Orphanet 377, MedGen C0004779, MONDO:0007187.
Medulloblastoma (MDB). Also called: Medulloblastoma, somatic; MEDULLOBLASTOMA PREDISPOSITION SYNDROME. Identifiers: Orphanet 616, MedGen C0025149, MeSH D008527, MONDO:0007959, OMIM 155255, HP:0002885.

Submissions (2):

Labcorp Genetics (formerly Invitae), Labcorp
Classification: Uncertain significance for Gorlin syndrome; Medulloblastoma. Last evaluated: 2024-05-22. Review status: criteria provided, single submitter. Criteria: Invitae Variant Classification Sherloc (09022015). Collection method: clinical testing. Allele origin: germline.
Comment: This sequence change replaces threonine, which is neutral and polar, with proline, which is neutral and non-polar, at codon 196 of the SUFU protein (p.Thr196Pro). This variant is not present in population databases (gnomAD no frequency). This variant has not been reported in the literature in individuals affected with SUFU-related conditions. ClinVar contains an entry for this variant (Variation ID: 1398943). Advanced modeling of protein sequence and biophysical properties (such as structural, functional, and spatial information, amino acid conservation, physicochemical variation, residue mobility, and thermodynamic stability) performed at Invitae indicates that this missense variant is not expected to disrupt SUFU protein function with a negative predictive value of 80%. In summary, the available evidence is currently insufficient to determine the role of this variant in disease. Therefore, it has been classified as a Variant of Uncertain Significance.

Ambry Genetics
Classification: Uncertain significance for Hereditary cancer-predisposing syndrome. Last evaluated: 2024-03-09. Review status: criteria provided, single submitter. Criteria: Ambry Variant Classification Scheme 2023. Collection method: clinical testing. Allele origin: germline.
Comment: The p.T196P variant (also known as c.586A>C), located in coding exon 4 of the SUFU gene, results from an A to C substitution at nucleotide position 586. The threonine at codon 196 is replaced by proline, an amino acid with highly similar properties. This amino acid position is conserved. In addition, the in silico prediction for this alteration is inconclusive. Based on the available evidence, the clinical significance of this alteration remains unclear.

NM_016169.4(SUFU):c.586A>C (p.Thr196Pro)

Gene: SUFU (SUFU negative regulator of hedgehog signaling; plus strand). Cytogenetic location: 10q24.32.
Variant type: single nucleotide variant.
Coding change: c.586A>C on transcript NM_016169.4 (MANE Select); coding-DNA position 586, A replaced by C.
Protein change: p.Thr196Pro; replaces threonine 196 with proline.
Molecular consequence: missense variant.
Genome position (GRCh38, 1-based): chr10:102,592,713, A>C. VCF-style: chr10-102592713-A-C. GRCh37 (hg19) VCF-style: chr10-104352470-A-C.
Other names: c.586A>C (NM_016169.3); c.586A>C, p.Thr196Pro (NM_001178133.2); short protein forms T196P.
Identifiers: ClinVar variation 1398943 (VCV001398943.9), dbSNP rs2135867363, ClinGen allele CA377908698.
Genomic context (GRCh38, chr10:102,592,713, plus strand): 5'-CACATGCTGCTGACAGAGGACCCACAGATGCAGCCCGTGCAGACACCCTTTGGGGTAGTT[A>C]CCTTCCTCCAGGTGAGGCACAGGTTGGACGCTGGCTCAAGCCTTCCTGTGGGAAGGGTCC-3'
Protein context (NP_057253.2, residues 186-206): QPVQTPFGVV[Thr196Pro]FLQIVGVCTE